The following is an entry in ClinVar:

NM_032043.3(BRIP1):c.2322C>T (p.Asp774=)

Gene: BRIP1 (BRCA1 interacting DNA helicase 1; minus strand). Cytogenetic location: 17q23.2.
Variant type: single nucleotide variant.
Coding change: c.2322C>T on transcript NM_032043.3 (MANE Select); coding-DNA position 2322, C replaced by T.
Protein change: p.Asp774=; no amino-acid change (aspartic acid 774 retained).
Molecular consequence: synonymous variant.
Genome position (GRCh38, 1-based): chr17:61,743,070, G>A on the plus strand (C>T on the coding strand, the complement: BRIP1 is on the minus strand). VCF-style: chr17-61743070-G-A. GRCh37 (hg19) VCF-style: chr17-59820431-G-A.
Identifiers: ClinVar variation 378960 (VCV000378960.20), dbSNP rs1057520434, ClinGen allele CA16607784.
Genomic context (GRCh38, chr17:61,743,070, plus strand): 5'-TACCTGTAGATCTTTCACATTTGGAAAAGGAATTCCTATTGTTATGACAGCACGGGCATT[G>A]TCATCTGAGAAATCCAGACCCTCACTCACTTTACCACGACAAACTGCTACCAGGAGAGCT-3'
Protein context (NP_114432.2, residues 764-784): KVSEGLDFSD[Asp774=]NARAVITIGI

ClinVar aggregate classification (germline): Benign/Likely benign. Review status: criteria provided, multiple submitters, no conflicts (2 of 4 stars). 7 submissions from 7 submitters: Benign (1); Likely benign (6). Last evaluated 2025-12-03.

Conditions:
Breast and/or ovarian cancer. Identifiers: MedGen CN221562.
Familial cancer of breast. Also called: Hereditary breast cancer; BREAST CANCER, FAMILIAL; hereditary breast carcinoma. Identifiers: Orphanet 227535, MedGen C0346153, MONDO:0016419, OMIM 114480. Disease mechanism: loss of function.
Fanconi anemia complementation group J. Also called: BRIP1-Related Fanconi Anemia. Identifiers: Orphanet 84, MedGen C1836860, MONDO:0012187, OMIM 609054.
Hereditary cancer-predisposing syndrome. Also called: Hereditary neoplastic syndrome; Tumor predisposition; Neoplastic Syndromes, Hereditary; Hereditary Cancer Syndrome. Identifiers: Orphanet 140162, MedGen C0027672, MeSH D009386, MONDO:0015356.

Allele frequency attached by ClinVar (database versions not stated): gnomAD exomes below 0.00001.
gnomAD v4.1: 2 of 1,613,888 alleles (0.00012%); highest among the groups gnomAD compares: Admixed American, 0.0017%; no homozygotes.

Submissions (7):

Labcorp Genetics (formerly Invitae), Labcorp
Classification: Likely benign for Familial cancer of breast; Fanconi anemia complementation group J. Last evaluated: 2025-12-03. Review status: criteria provided, single submitter. Criteria: Invitae Variant Classification Sherloc (09022015). Collection method: clinical testing. Allele origin: germline.

Myriad Genetics, Inc.
Classification: Benign for Familial cancer of breast. Last evaluated: 2024-09-04. Review status: criteria provided, single submitter. Criteria: Myriad Autosomal Dominant, Autosomal Recessive and X-Linked Classification Criteria (2023). Collection method: clinical testing. Allele origin: unknown.
Comment: This variant is considered benign. This variant is a silent/synonymous amino acid change and it is not expected to impact splicing.

CHEO Genetics Diagnostic Laboratory, Children's Hospital of Eastern Ontario
Classification: Likely benign for Breast and/or ovarian cancer. Last evaluated: 2021-11-01. Review status: criteria provided, single submitter. Criteria: ACMG Guidelines, 2015. Collection method: clinical testing. Allele origin: germline.

Color Diagnostics, LLC DBA Color Health
Classification: Likely benign for Hereditary cancer-predisposing syndrome. Last evaluated: 2021-07-07. Review status: criteria provided, single submitter. Criteria: ACMG Guidelines, 2015. Collection method: clinical testing. Allele origin: germline.

Women's Health and Genetics/Laboratory Corporation of America, LabCorp
Classification: Likely benign. Last evaluated: 2019-08-21. Review status: criteria provided, single submitter. Criteria: LabCorp Variant Classification Summary - May 2015. Collection method: clinical testing. Allele origin: germline.

GeneDx
Classification: Likely benign. Last evaluated: 2018-01-31. Review status: criteria provided, single submitter. Criteria: GeneDx Variant Classification (06012015). Collection method: clinical testing. Allele origin: germline. Affected: yes.
Comment: This variant is considered likely benign or benign based on one or more of the following criteria: it is a conservative change, it occurs at a poorly conserved position in the protein, it is predicted to be benign by multiple in silico algorithms, and/or has population frequency not consistent with disease.

Ambry Genetics
Classification: Likely benign for Hereditary cancer-predisposing syndrome. Last evaluated: 2016-11-23. Review status: criteria provided, single submitter. Criteria: Ambry Variant Classification Scheme 2023. Collection method: clinical testing. Allele origin: germline.